The following is an entry in ClinVar:

ClinVar aggregate classification (germline): Uncertain significance (1 of 4 stars; one submission).

Conditions:
Pitt-Hopkins-like syndrome 2 (PTHSL2). Identifiers: Orphanet 221150, Orphanet 600663, MedGen C3280479, MONDO:0013690, OMIM 614325.

Allele frequency attached by ClinVar (database versions not stated): gnomAD exomes below 0.00001.
gnomAD v4.1: 5 of 1,613,244 alleles (0.00031%); highest among the groups gnomAD compares: Non-Finnish European, 0.00034%; no homozygotes.

Submission:

Labcorp Genetics (formerly Invitae), Labcorp
Classification: Uncertain significance for Pitt-Hopkins-like syndrome 2. Last evaluated: 2022-01-03. Review status: criteria provided, single submitter. Criteria: Invitae Variant Classification Sherloc (09022015). Collection method: clinical testing. Allele origin: germline.
Comment: In summary, the available evidence is currently insufficient to determine the role of this variant in disease. Therefore, it has been classified as a Variant of Uncertain Significance. Algorithms developed to predict the effect of missense changes on protein structure and function (SIFT, PolyPhen-2, Align-GVGD) all suggest that this variant is likely to be disruptive. This variant has not been reported in the literature in individuals affected with NRXN1-related conditions. This variant is present in population databases (no rsID available, gnomAD 0.003%). This sequence change replaces serine, which is neutral and polar, with phenylalanine, which is neutral and non-polar, at codon 330 of the NRXN1 protein (p.Ser330Phe).

NM_001330078.2(NRXN1):c.890C>T (p.Ser297Phe)

Gene: NRXN1 (neurexin 1; minus strand). Cytogenetic location: 2p16.3.
Variant type: single nucleotide variant.
Coding change: c.890C>T on transcript NM_001330078.2 (MANE Select); coding-DNA position 890, C replaced by T.
Protein change: p.Ser297Phe; replaces serine 297 with phenylalanine.
Molecular consequence: missense variant.
Genome position (GRCh38, 1-based): chr2:50,623,558, G>A on the plus strand (C>T on the coding strand, the complement: NRXN1 is on the minus strand). VCF-style: chr2-50623558-G-A. GRCh37 (hg19) VCF-style: chr2-50850696-G-A.
Other names: c.989C>T, p.Ser330Phe (NM_001135659.3); c.890C>T, p.Ser297Phe (NM_001330077.2, NM_001330082.2, NM_001330085.2 and 3 more transcripts); c.830C>T, p.Ser277Phe (NM_001330083.2, NM_001330084.2, NM_001330087.2 and 1 more transcripts); c.860C>T, p.Ser287Phe (NM_001330088.2); c.887C>T, p.Ser296Phe (NM_001330093.2); c.878C>T, p.Ser293Phe (NM_001330094.2); short protein forms S293F, S277F, S287F, S330F, S296F, S297F.
Identifiers: ClinVar variation 2072711 (VCV002072711.4), dbSNP rs1412740682, ClinGen allele CA346822603.